The following is an entry in ClinVar:

ClinVar aggregate classification (germline): Pathogenic (1 of 4 stars; one submission).

Conditions:
Arrhythmogenic right ventricular dysplasia 10. Also called: Arrhythmogenic Right Ventricular Dysplasia/Cardiomyopathy10; ARRHYTHMOGENIC RIGHT VENTRICULAR DYSPLASIA, FAMILIAL, 10; Arrhythmogenic right ventricular dysplasia/cardiomyopathy, type 10. Identifiers: MedGen C1857777, MONDO:0012434, OMIM 610193.

Submission:

Labcorp Genetics (formerly Invitae), Labcorp
Classification: Pathogenic for Arrhythmogenic right ventricular dysplasia 10. Last evaluated: 2025-02-05. Review status: criteria provided, single submitter. Criteria: Invitae Variant Classification Sherloc (09022015). Collection method: clinical testing. Allele origin: germline.
Comment: This sequence change creates a premature translational stop signal (p.Ser4Argfs*23) in the DSG2 gene. It is expected to result in an absent or disrupted protein product. Loss-of-function variants in DSG2 are known to be pathogenic (PMID: 17105751, 31386562). This variant is not present in population databases (gnomAD no frequency). This variant has not been reported in the literature in individuals affected with DSG2-related conditions. ClinVar contains an entry for this variant (Variation ID: 2828585). For these reasons, this variant has been classified as Pathogenic.

Literature cited by the submitters: PubMed 17105751; PubMed 31386562.

NM_001943.5(DSG2):c.11_12insGCGAGGGTGCGATGGCACGGAG (p.Ser4fs)

Genes: DSG2 (desmoglein 2; plus strand), LOC130062340 (ATAC-STARR-seq lymphoblastoid silent region 9384; plus strand). Cytogenetic location: 18q12.1.
Variant type: Insertion.
Coding change: c.11_12insGCGAGGGTGCGATGGCACGGAG on transcript NM_001943.5 (MANE Select); coding-DNA positions 11 to 12, GCGAGGGTGCGATGGCACGGAG inserted.
Protein change: p.Ser4fs; shifts the reading frame from serine 4.
Molecular consequence: frameshift variant.
Genome position: GRCh38 VCF-style: chr18-31498257-G-GCGGAGGCGAGGGTGCGATGGCA. GRCh37 (hg19) VCF-style: chr18-29078220-G-GCGGAGGCGAGGGTGCGATGGCA.
Other names: short protein forms S4fs.
Identifiers: ClinVar variation 2828585 (VCV002828585.3), dbSNP rs2510903631, ClinGen allele CA2739268629.